The following is an entry in ClinVar:

ClinVar aggregate classification (germline): Uncertain significance. Review status: criteria provided, multiple submitters, no conflicts (2 of 4 stars). 2 submissions from 2 submitters: Uncertain significance (2). Last evaluated 2025-10-07.

Conditions:
Epileptic encephalopathy. Identifiers: MedGen C0543888, HP:0200134.

Allele frequency attached by ClinVar (database versions not stated): gnomAD exomes 0.00003; ExAC 0.00010.
gnomAD v4.1: 10 of 1,550,608 alleles (0.00064%); highest among the groups gnomAD compares: South Asian, 0.012%; no homozygotes.

Submissions (2):

Ambry Genetics
Classification: Uncertain significance. Last evaluated: 2025-10-07. Review status: criteria provided, single submitter. Criteria: Ambry Variant Classification Scheme 2023. Collection method: clinical testing. Allele origin: germline.

Labcorp Genetics (formerly Invitae), Labcorp
Classification: Uncertain significance for Epileptic encephalopathy. Last evaluated: 2023-12-11. Review status: criteria provided, single submitter. Criteria: Invitae Variant Classification Sherloc (09022015). Collection method: clinical testing. Allele origin: germline.
Comment: This sequence change replaces glutamine, which is neutral and polar, with proline, which is neutral and non-polar, at codon 1498 of the FASN protein (p.Gln1498Pro). This variant is present in population databases (rs755163700, gnomAD 0.01%). This variant has not been reported in the literature in individuals affected with FASN-related conditions. ClinVar contains an entry for this variant (Variation ID: 1387889). An algorithm developed to predict the effect of missense changes on protein structure and function (PolyPhen-2) suggests that this variant is likely to be tolerated. In summary, the available evidence is currently insufficient to determine the role of this variant in disease. Therefore, it has been classified as a Variant of Uncertain Significance.

NM_004104.5(FASN):c.4493A>C (p.Gln1498Pro)

Gene: FASN (fatty acid synthase; minus strand). Cytogenetic location: 17q25.3.
Variant type: single nucleotide variant.
Coding change: c.4493A>C on transcript NM_004104.5 (MANE Select); coding-DNA position 4493, A replaced by C.
Protein change: p.Gln1498Pro; replaces glutamine 1498 with proline.
Molecular consequence: missense variant.
Genome position (GRCh38, 1-based): chr17:82,084,870, T>G on the plus strand (A>C on the coding strand, the complement: FASN is on the minus strand). VCF-style: chr17-82084870-T-G. GRCh37 (hg19) VCF-style: chr17-80042746-T-G.
Other names: c.4493A>C (NM_004104.4); short protein forms Q1498P.
Identifiers: ClinVar variation 1387889 (VCV001387889.9), dbSNP rs755163700, ClinGen allele CA8852032.